The following is an entry in ClinVar:

NM_000260.4(MYO7A):c.5345G>C (p.Gly1782Ala)

Gene: MYO7A (myosin VIIA; plus strand). Cytogenetic location: 11q13.5.
Variant type: single nucleotide variant.
Coding change: c.5345G>C on transcript NM_000260.4 (MANE Select); coding-DNA position 5345, G replaced by C.
Protein change: p.Gly1782Ala; replaces glycine 1782 with alanine.
Molecular consequence: missense variant.
Genome position (GRCh38, 1-based): chr11:77,204,094, G>C. VCF-style: chr11-77204094-G-C. GRCh37 (hg19) VCF-style: chr11-76915139-G-C.
Other names: c.5231G>C, p.Gly1744Ala (NM_001127180.2); c.5198G>C, p.Gly1733Ala (NM_001369365.1); short protein forms G1782A, G1744A, G1733A.
Identifiers: ClinVar variation 560898 (VCV000560898.13), dbSNP rs751242455, ClinGen allele CA6198687.
Genomic context (GRCh38, chr11:77,204,094, plus strand): 5'-GCTCCCTCTATTCGGCACAAGCCCTTCCTTGACAGTCCCCAGCTGTGCTCAAGTACATGG[G>C]CGACTACCCGTCCAAGAGGACACGCTCCGTCAACGAGCTCACCGACCAGATCTTTGAGGG-3'
Protein context (NP_000251.3, residues 1772-1792): LAFIAVLKYM[Gly1782Ala]DYPSKRTRSV

ClinVar aggregate classification (germline): Conflicting classifications of pathogenicity. Review status: criteria provided, conflicting classifications (1 of 4 stars). 6 submissions from 6 submitters: Likely pathogenic (3); Uncertain significance (1). 2 of the submissions do not count toward it. Last evaluated 2025-05-29.

Conditions:
Deafness. Identifiers: MedGen C0011053.
Autosomal recessive nonsyndromic hearing loss 2. Also called: DEAFNESS, AUTOSOMAL RECESSIVE 2; NEUROSENSORY NONSYNDROMIC RECESSIVE DEAFNESS 2. Identifiers: Orphanet 90636, MedGen C1838701, MONDO:0010807, OMIM 600060.
Usher syndrome type 1 (USH1). Also called: RETINITIS PIGMENTOSA AND CONGENITAL DEAFNESS. Identifiers: Orphanet 231169, Orphanet 886, MedGen C1568247, MONDO:0010168, OMIM 276900.
Hearing loss, autosomal recessive. Also called: Autosomal recessive nonsyndromic deafness; Rare autosomal recessive non-syndromic sensorineural deafness type DFNB; Nonsyndromic Hearing Loss, Recessive; Deafness, autosomal recessive. Identifiers: Orphanet 90635, Orphanet 90636, MedGen C1846647, MONDO:0019588, OMIM 607197.

Allele frequency attached by ClinVar (database versions not stated): ExAC 0.00004.
gnomAD v4.1: 32 of 1,601,578 alleles (0.002%); highest among the groups gnomAD compares: South Asian, 0.032%; no homozygotes.

Submissions (6):

Women's Health and Genetics/Laboratory Corporation of America, LabCorp
Classification: Uncertain significance. Last evaluated: 2025-05-29. Review status: criteria provided, single submitter. Criteria: LabCorp Variant Classification Summary - May 2015. Collection method: clinical testing. Allele origin: germline.
Comment: Variant summary: MYO7A c.5345G>C (p.Gly1782Ala) results in a non-conservative amino acid change located in the MyTH4 domain (IPR000857) of the encoded protein sequence. Algorithms developed to predict the effect of missense changes on protein structure and function all suggest that this variant is likely to be disruptive. The variant allele was found at a frequency of 4.4e-05 in 227376 control chromosomes. This frequency is not significantly higher than estimated for a pathogenic variant in MYO7A causing Usher Syndrome (4.4e-05 vs 0.0061), allowing no conclusion about variant significance. c.5345G>C has been observed as compound heterozygous genotype in individuals affected with Usher Syndrome; however (Richard_2019). However, these variants have also been observed in their unaffected siblings and the mother. Since the penetrance of Usher Syndrome (0.4) due to this variant appears to be lower than expected (0.8), no conclusions can be drawn from these data. To our knowledge, no experimental evidence demonstrating an impact on protein function has been reported. The following publication have been ascertained in the context of this evaluation (PMID: 30303587). ClinVar contains an entry for this variant (Variation ID: 560898). Based on the evidence outlined above, the variant was classified as uncertain significance.

First Genomix Gene Laboratory, Genetic Diagnostics Department
Classification: Likely pathogenic for Autosomal recessive nonsyndromic hearing loss 2; Usher syndrome type 1. Last evaluated: 2025-01-10. Review status: criteria provided, single submitter. Criteria: ACMG Guidelines, 2015. Collection method: clinical testing. Allele origin: germline. Inheritance: Autosomal recessive inheritance. Affected: no. Observed: 1 variant allele.

Labcorp Genetics (formerly Invitae), Labcorp
Classification: Likely pathogenic. Last evaluated: 2024-01-29. Review status: criteria provided, single submitter. Criteria: Invitae Variant Classification Sherloc (09022015). Collection method: clinical testing. Allele origin: germline.
Comment: This sequence change replaces glycine, which is neutral and non-polar, with alanine, which is neutral and non-polar, at codon 1782 of the MYO7A protein (p.Gly1782Ala). This variant is present in population databases (rs751242455, gnomAD 0.04%). This missense change has been observed in individual(s) with autosomal recessive MYO7A-related disorders (PMID: 30303587). It has also been observed to segregate with disease in related individuals. ClinVar contains an entry for this variant (Variation ID: 560898). Advanced modeling of protein sequence and biophysical properties (such as structural, functional, and spatial information, amino acid conservation, physicochemical variation, residue mobility, and thermodynamic stability) performed at Invitae indicates that this missense variant is expected to disrupt MYO7A protein function with a positive predictive value of 95%. In summary, the currently available evidence indicates that the variant is pathogenic, but additional data are needed to prove that conclusively. Therefore, this variant has been classified as Likely Pathogenic.

Genome-Nilou Lab
Classification: Likely pathogenic for Autosomal recessive nonsyndromic hearing loss 2. Last evaluated: 2021-07-22. Review status: criteria provided, single submitter. Criteria: ACMG Guidelines, 2015. Collection method: clinical testing. Allele origin: germline. Affected: no.

Center for Statistical Genetics, Columbia University
Classification: Pathogenic for Deafness. Last evaluated: 2018-09-10. Review status: no assertion criteria provided. Collection method: research. Allele origin: inherited. Affected: yes. Not counted in ClinVar's aggregate classification.
Comment: Autosomal recessive

University of Washington Center for Mendelian Genomics, University of Washington
Classification: Likely pathogenic for non-syndromic autosomal recessive hearing loss. Review status: no assertion criteria provided. Collection method: research. Allele origin: inherited. Affected: yes. Not counted in ClinVar's aggregate classification.

Literature cited by the submitters: PubMed 30303587 (cited by 3 submitters).